The following is an entry in ClinVar:

NM_000059.4(BRCA2):c.7895dup (p.Ala2633fs)

Gene: BRCA2 (BRCA2 DNA repair associated; plus strand). Cytogenetic location: 13q13.1.
Variant type: Duplication.
Coding change: c.7895dup on transcript NM_000059.4 (MANE Select); coding-DNA position 7895, one base duplicated (C; older notation c.7895dupC).
Protein change: p.Ala2633fs; shifts the reading frame from alanine 2633.
Molecular consequence: frameshift variant.
Genome position (GRCh38, 1-based): chr13:32,362,612, C duplicated. VCF-style (leftmost placement, unchanged base first): chr13-32362611-G-GC. GRCh37 (hg19) VCF-style: chr13-32936748-G-GC.
Other names: c.7895dupC (NM_000059.3); short protein forms A2633fs.
Identifiers: ClinVar variation 1453395 (VCV001453395.7), dbSNP rs2137577202, ClinGen allele CA2573149359.

ClinVar aggregate classification (germline): Pathogenic. Review status: criteria provided, multiple submitters, no conflicts (2 of 4 stars). 2 submissions from 2 submitters: Pathogenic (2). Last evaluated 2024-07-29.

Conditions:
Hereditary breast ovarian cancer syndrome. Also called: Hereditary breast and ovarian cancer; Hereditary breast and ovarian cancer syndrome (HBOC); Breast and ovarian cancer; Hereditary breast and ovarian cancer syndrome; Hereditary breast and/or ovarian cancer syndrome; BRCA1- and BRCA2-Associated Hereditary Breast and Ovarian Cancer. Identifiers: Orphanet 145, MedGen C0677776, MeSH D061325, MONDO:0003582. Disease mechanism: loss of function.
Hereditary cancer-predisposing syndrome. Also called: Tumor predisposition; Neoplastic Syndromes, Hereditary; Hereditary Cancer Syndrome; Hereditary neoplastic syndrome. Identifiers: Orphanet 140162, MedGen C0027672, MeSH D009386, MONDO:0015356.

Submissions (2):

Ambry Genetics
Classification: Pathogenic for Hereditary cancer-predisposing syndrome. Last evaluated: 2024-07-29. Review status: criteria provided, single submitter. Criteria: Ambry Variant Classification Scheme 2023. Collection method: clinical testing. Allele origin: germline.
Comment: The c.7895dupC pathogenic mutation, located in coding exon 16 of the BRCA2 gene, results from a duplication of C at nucleotide position 7895, causing a translational frameshift with a predicted alternate stop codon (p.A2633Sfs*8). This variant is considered to be rare based on population cohorts in the Genome Aggregation Database (gnomAD). This alteration is expected to result in loss of function by premature protein truncation or nonsense-mediated mRNA decay. As such, this alteration is interpreted as a disease-causing mutation.

Labcorp Genetics (formerly Invitae), Labcorp
Classification: Pathogenic for Hereditary breast ovarian cancer syndrome. Last evaluated: 2021-11-08. Review status: criteria provided, single submitter. Criteria: Invitae Variant Classification Sherloc (09022015). Collection method: clinical testing. Allele origin: germline.
Comment: For these reasons, this variant has been classified as Pathogenic. This sequence change creates a premature translational stop signal (p.Ala2633Serfs*8) in the BRCA2 gene. It is expected to result in an absent or disrupted protein product. Loss-of-function variants in BRCA2 are known to be pathogenic (PMID: 20104584). This variant is not present in population databases (gnomAD no frequency). This variant has not been reported in the literature in individuals affected with BRCA2-related conditions.

Literature cited by the submitters: PubMed 20104584 (cited by Labcorp Genetics (formerly Invitae), Labcorp).